The following is an entry in ClinVar:

NM_014855.3(AP5Z1):c.460C>T (p.Leu154Phe)

Gene: AP5Z1 (adaptor related protein complex 5 subunit zeta 1; plus strand). Cytogenetic location: 7p22.1.
Variant type: single nucleotide variant.
Coding change: c.460C>T on transcript NM_014855.3 (MANE Select); coding-DNA position 460, C replaced by T.
Protein change: p.Leu154Phe; replaces leucine 154 with phenylalanine.
Molecular consequence: missense variant. On other transcripts: non-coding transcript variant (1), 5 prime UTR variant (1).
Genome position (GRCh38, 1-based): chr7:4,783,409, C>T. VCF-style: chr7-4783409-C-T. GRCh37 (hg19) VCF-style: chr7-4823040-C-T.
Other names: c.-9C>T (NM_001364858.1); short protein forms L154F.
Identifiers: ClinVar variation 1351540 (VCV001351540.6), dbSNP rs759815287, ClinGen allele CA4137216.

ClinVar aggregate classification (germline): Uncertain significance (1 of 4 stars; one submission).

Conditions:
Hereditary spastic paraplegia 48. Also called: SPASTIC PARAPLEGIA 48, AUTOSOMAL RECESSIVE; Spastic paraplegia 48. Identifiers: Orphanet 306511, MedGen C3150901, MONDO:0013342, OMIM 613647.

Allele frequency attached by ClinVar (database versions not stated): ExAC 0.00001; gnomAD 0.00001; gnomAD exomes 0.00001 and 0.00002; TOPMed 0.00001.

Submission:

Labcorp Genetics (formerly Invitae), Labcorp
Classification: Uncertain significance for Hereditary spastic paraplegia 48. Last evaluated: 2022-06-13. Review status: criteria provided, single submitter. Criteria: Invitae Variant Classification Sherloc (09022015). Collection method: clinical testing. Allele origin: germline.
Comment: In summary, the available evidence is currently insufficient to determine the role of this variant in disease. Therefore, it has been classified as a Variant of Uncertain Significance. Algorithms developed to predict the effect of missense changes on protein structure and function are either unavailable or do not agree on the potential impact of this missense change (SIFT: "Deleterious"; PolyPhen-2: "Probably Damaging"; Align-GVGD: "Class C15"). This variant has not been reported in the literature in individuals affected with AP5Z1-related conditions. This variant is present in population databases (rs759815287, gnomAD 0.003%). This sequence change replaces leucine, which is neutral and non-polar, with phenylalanine, which is neutral and non-polar, at codon 154 of the AP5Z1 protein (p.Leu154Phe).